The following is an entry in ClinVar:

ClinVar aggregate classification (germline): Uncertain significance (1 of 4 stars; one submission).

Allele frequency attached by ClinVar (database versions not stated): ExAC 0.00001; gnomAD exomes 0.00001; TOPMed 0.00001.

Submission:

Labcorp Genetics (formerly Invitae), Labcorp
Classification: Uncertain significance. Last evaluated: 2022-03-10. Review status: criteria provided, single submitter. Criteria: Invitae Variant Classification Sherloc (09022015). Collection method: clinical testing. Allele origin: germline.
Comment: In summary, the available evidence is currently insufficient to determine the role of this variant in disease. Therefore, it has been classified as a Variant of Uncertain Significance. Algorithms developed to predict the effect of missense changes on protein structure and function output the following: SIFT: "Tolerated"; PolyPhen-2: "Benign"; Align-GVGD: "Class C0". The arginine amino acid residue is found in multiple mammalian species, which suggests that this missense change does not adversely affect protein function. This variant has not been reported in the literature in individuals affected with MTPAP-related conditions. This variant is present in population databases (rs773058913, gnomAD 0.005%). This sequence change replaces lysine, which is basic and polar, with arginine, which is basic and polar, at codon 555 of the MTPAP protein (p.Lys555Arg).

NM_018109.4(MTPAP):c.1664A>G (p.Lys555Arg)

Gene: MTPAP (mitochondrial poly(A) polymerase; minus strand). Cytogenetic location: 10p11.23.
Variant type: single nucleotide variant.
Coding change: c.1664A>G on transcript NM_018109.4 (MANE Select); coding-DNA position 1664, A replaced by G.
Protein change: p.Lys555Arg; replaces lysine 555 with arginine.
Molecular consequence: missense variant.
Genome position (GRCh38, 1-based): chr10:30,313,694, T>C on the plus strand (A>G on the coding strand, the complement: MTPAP is on the minus strand). VCF-style: chr10-30313694-T-C. GRCh37 (hg19) VCF-style: chr10-30602623-T-C.
Other names: short protein forms K555R.
Identifiers: ClinVar variation 1966767 (VCV001966767.3), dbSNP rs773058913, ClinGen allele CA5458910.